The following is an entry in ClinVar:

ClinVar aggregate classification (germline): Likely benign. Review status: criteria provided, multiple submitters, no conflicts (2 of 4 stars). 4 submissions from 4 submitters: Likely benign (4). Last evaluated 2026-08-14.

Conditions:
DNAH9-related disorder. Also called: DNAH9-related condition.

Allele frequency attached by ClinVar (database versions not stated): 1000 Genomes Project 30x 0.00016; 1000 Genomes Project 0.00020; gnomAD 0.00027 and 0.00029; TOPMed 0.00032; gnomAD exomes 0.00042 and 0.00048; ESP Exome Variant Server 0.00046; ExAC 0.00062.
gnomAD v4.1: 737 of 1,613,984 alleles (0.046%); highest among the groups gnomAD compares: Non-Finnish European, 0.055%; no homozygotes.

Submissions (4):

PreventionGenetics, part of Exact Sciences
Classification: Likely benign for DNAH9-related condition. Last evaluated: 2026-08-14. Review status: criteria provided, single submitter. Criteria: ACMG Guidelines, 2015. Collection method: clinical testing. Allele origin: germline.
Comment: This variant is classified as likely benign based on ACMG/AMP sequence variant interpretation guidelines (Richards et al. 2015 PMID: 25741868, with internal and published modifications).

Labcorp Genetics (formerly Invitae), Labcorp
Classification: Likely benign. Last evaluated: 2025-10-12. Review status: criteria provided, single submitter. Criteria: Invitae Variant Classification Sherloc (09022015). Collection method: clinical testing. Allele origin: germline.

Blueprint Genetics
Classification: Likely benign. Last evaluated: 2024-09-25. Review status: criteria provided, single submitter. Criteria: ACMG Guidelines, 2015. Collection method: clinical testing. Allele origin: germline.

CeGaT Center for Human Genetics Tuebingen
Classification: Likely benign. Last evaluated: 2023-03-01. Review status: criteria provided, single submitter. Criteria: CeGaT Center For Human Genetics Tuebingen Variant Classification Criteria Version 2. Collection method: clinical testing. Allele origin: germline. Affected: yes. Observed: 1 variant allele.
Comment: DNAH9: BP4, BP7

NM_001372.4(DNAH9):c.11835G>A (p.Ala3945=)

Gene: DNAH9 (dynein axonemal heavy chain 9; plus strand). Cytogenetic location: 17p12.
Variant type: single nucleotide variant.
Coding change: c.11835G>A on transcript NM_001372.4 (MANE Select); coding-DNA position 11835, G replaced by A.
Protein change: p.Ala3945=; no amino-acid change (alanine 3945 retained).
Molecular consequence: synonymous variant.
Genome position (GRCh38, 1-based): chr17:11,923,899, G>A. VCF-style: chr17-11923899-G-A. GRCh37 (hg19) VCF-style: chr17-11827216-G-A.
Other names: c.11835G>A (NM_001372.3); c.771G>A, p.Ala257= (NM_004662.2).
Identifiers: ClinVar variation 1641419 (VCV001641419.34), dbSNP rs144422539, ClinGen allele CA8397965.
Genomic context (GRCh38, chr17:11,923,899, plus strand): 5'-CAATCAGAACTTTCACAACGTGTCTTTGGGGCAAGGACAGGAAGTGGTGGCTGAGGCTGC[G>A]CTGGACCTCGCTGCCAAGAAAGGTCACTGGGTTATTTTGCAGGTATGTTCCTCTACCCTT-3'
Protein context (NP_001363.2, residues 3935-3955): GQGQEVVAEA[Ala3945=]LDLAAKKGHW